The following is an entry in ClinVar:

NM_000089.4(COL1A2):c.1876G>A (p.Val626Met)

Gene: COL1A2 (collagen type I alpha 2 chain; plus strand). Cytogenetic location: 7q21.3.
Variant type: single nucleotide variant.
Coding change: c.1876G>A on transcript NM_000089.4 (MANE Select); coding-DNA position 1876, G replaced by A.
Protein change: p.Val626Met; replaces valine 626 with methionine.
Molecular consequence: missense variant.
Genome position (GRCh38, 1-based): chr7:94,417,736, G>A. VCF-style: chr7-94417736-G-A. GRCh37 (hg19) VCF-style: chr7-94047048-G-A.
Other names: short protein forms V626M.
Identifiers: ClinVar variation 561285 (VCV000561285.18), dbSNP rs374878685, ClinGen allele CA4347223.

ClinVar aggregate classification (germline): Uncertain significance. Review status: criteria provided, multiple submitters, no conflicts (2 of 4 stars). 5 submissions from 5 submitters: Uncertain significance (5). Last evaluated 2026-04-27.

Conditions:
Cardiovascular phenotype. Identifiers: MedGen CN230736.
Osteogenesis imperfecta type I (OI1). Also called: OI, TYPE I; OSTEOGENESIS IMPERFECTA TARDA; OSTEOGENESIS IMPERFECTA WITH BLUE SCLERAE; Lobstein's Disease; Classic Non-deforming Osteogenesis Imperfecta with Blue Sclerae; Lobstein disease. Identifiers: Orphanet 216796, Orphanet 666, MedGen C0023931, MONDO:0008146, OMIM 166200. Disease mechanism: loss of function.
Ehlers-Danlos syndrome, classic type, 1 (EDSCL1). Also called: Ehlers-Danlos Syndrome, Classic Type, COL5A1-Related; EDS I; Ehlers-Danlos syndrome, type 1; EHLERS-DANLOS SYNDROME, GRAVIS TYPE; EHLERS-DANLOS SYNDROME, SEVERE CLASSIC TYPE. Identifiers: MedGen C0268335, MONDO:0019567, OMIM 130000.
Connective tissue disorder. Also called: Connective tissue disease. Identifiers: MedGen C0009782, MONDO:0003900.

Allele frequency attached by ClinVar (database versions not stated): TOPMed 0.00005; gnomAD 0.00006 and 0.00005; ExAC 0.00007; gnomAD exomes 0.00001 and 0.00002; ESP Exome Variant Server 0.00008.
gnomAD v4.1: 27 of 1,594,628 alleles (0.0017%); highest among the groups gnomAD compares: African/African-American, 0.021%; no homozygotes.

Submissions (5):

Women's Health and Genetics/Laboratory Corporation of America, LabCorp
Classification: Uncertain significance. Last evaluated: 2026-04-27. Review status: criteria provided, single submitter. Criteria: LabCorp Variant Classification Summary - May 2015. Collection method: clinical testing. Allele origin: germline.
Comment: Variant summary: COL1A2 c.1876G>A (p.Val626Met) results in a conservative amino acid change in the encoded protein sequence. Algorithms developed to predict the effect of missense changes on protein structure and function all suggest that this variant is likely to be tolerated. The variant allele was found at a frequency of 1.8e-05 in 219542 control chromosomes. The available data on variant occurrences in the general population are insufficient to allow any conclusion about variant significance. To our knowledge, no occurrence of c.1876G>A in individuals affected with COL1A2-related conditions and no experimental evidence demonstrating its impact on protein function have been reported. ClinVar contains an entry for this variant (Variation ID: 561285). Based on the evidence outlined above, the variant was classified as uncertain significance.

Labcorp Genetics (formerly Invitae), Labcorp
Classification: Uncertain significance for Osteogenesis imperfecta type I; Ehlers-Danlos syndrome, classic type, 1. Last evaluated: 2026-01-28. Review status: criteria provided, single submitter. Criteria: Invitae Variant Classification Sherloc (09022015). Collection method: clinical testing. Allele origin: germline.
Comment: This sequence change replaces valine, which is neutral and non-polar, with methionine, which is neutral and non-polar, at codon 626 of the COL1A2 protein (p.Val626Met). The frequency data for this variant in the population databases is considered unreliable, as metrics indicate poor data quality at this position in the gnomAD database. This variant has not been reported in the literature in individuals affected with COL1A2-related conditions. ClinVar contains an entry for this variant (Variation ID: 561285). Invitae Evidence Modeling of protein sequence and biophysical properties (such as structural, functional, and spatial information, amino acid conservation, physicochemical variation, residue mobility, and thermodynamic stability) indicates that this missense variant is not expected to disrupt COL1A2 protein function with a negative predictive value of 95%. In summary, the available evidence is currently insufficient to determine the role of this variant in disease. Therefore, it has been classified as a Variant of Uncertain Significance.

Ambry Genetics
Classification: Uncertain significance for Cardiovascular phenotype. Last evaluated: 2025-10-02. Review status: criteria provided, single submitter. Criteria: Ambry Variant Classification Scheme 2023. Collection method: clinical testing. Allele origin: germline.
Comment: The p.V626M variant (also known as c.1876G>A), located in coding exon 32 of the COL1A2 gene, results from a G to A substitution at nucleotide position 1876. The valine at codon 626 is replaced by methionine, an amino acid with highly similar properties. This amino acid position is not well conserved in available vertebrate species. In addition, this alteration is predicted to be tolerated by in silico analysis. Based on the available evidence, the clinical significance of this variant remains unclear.

GeneDx
Classification: Uncertain significance. Last evaluated: 2024-04-11. Review status: criteria provided, single submitter. Criteria: GeneDx Variant Classification Process June 2021. Collection method: clinical testing. Allele origin: germline. Affected: yes.
Comment: In silico analysis indicates that this missense variant does not alter protein structure/function; Occurs in the triple helical domain at the X position in the canonical Gly-X-Y repeat; although this variant may have an effect on normal protein folding and function, missense substitution at the X position is not a common mechanism of disease (HGMD); Not observed at significant frequency in large population cohorts (gnomAD); Has not been previously published as pathogenic or benign to our knowledge

Center for Human Genetics, Inc
Classification: Uncertain significance for Connective tissue disorder. Last evaluated: 2018-06-01. Review status: criteria provided, single submitter. Criteria: ACMG Guidelines, 2015. Collection method: clinical testing. Allele origin: germline. Affected: yes.